The following is an entry in ClinVar:

ClinVar aggregate classification (germline): Uncertain significance (1 of 4 stars; one submission).

Conditions:
Left ventricular noncompaction 8 (LVNC8). Identifiers: Orphanet 154, Orphanet 54260, MedGen C3809288, MONDO:0014152, OMIM 615373.

Submission:

Labcorp Genetics (formerly Invitae), Labcorp
Classification: Uncertain significance for Left ventricular noncompaction 8. Last evaluated: 2026-01-12. Review status: criteria provided, single submitter. Criteria: Invitae Variant Classification Sherloc (09022015). Collection method: clinical testing. Allele origin: germline.
Comment: This sequence change replaces alanine, which is neutral and non-polar, with glutamic acid, which is acidic and polar, at codon 503 of the PRDM16 protein (p.Ala503Glu). This variant is not present in population databases (gnomAD no frequency). This variant has not been reported in the literature in individuals affected with PRDM16-related conditions. ClinVar contains an entry for this variant (Variation ID: 3657346). An algorithm developed to predict the effect of missense changes on protein structure and function (PolyPhen-2) suggests that this variant is likely to be disruptive. In summary, the available evidence is currently insufficient to determine the role of this variant in disease. Therefore, it has been classified as a Variant of Uncertain Significance.

NM_022114.4(PRDM16):c.1508C>A (p.Ala503Glu)

Gene: PRDM16 (PR/SET domain 16; plus strand). Cytogenetic location: 1p36.32.
Variant type: single nucleotide variant.
Coding change: c.1508C>A on transcript NM_022114.4 (MANE Select); coding-DNA position 1508, C replaced by A.
Protein change: p.Ala503Glu; replaces alanine 503 with glutamic acid.
Molecular consequence: missense variant.
Genome position (GRCh38, 1-based): chr1:3,411,705, C>A. VCF-style: chr1-3411705-C-A. GRCh37 (hg19) VCF-style: chr1-3328269-C-A.
Other names: c.1508C>A, p.Ala503Glu (NM_199454.3); short protein forms A503E.
Identifiers: ClinVar variation 3657346 (VCV003657346.2).